The following is an entry in ClinVar:

NM_015355.4(SUZ12):c.1794+1G>A

Gene: SUZ12 (SUZ12 polycomb repressive complex 2 subunit; plus strand). Cytogenetic location: 17q11.2.
Variant type: single nucleotide variant.
Coding change: c.1794+1G>A on transcript NM_015355.4 (MANE Select); the canonical splice donor site of the intron after coding-DNA position 1794, G replaced by A.
Molecular consequence: splice donor variant.
Genome position (GRCh38, 1-based): chr17:31,995,763, G>A. VCF-style: chr17-31995763-G-A. GRCh37 (hg19) VCF-style: chr17-30322782-G-A.
Other names: c.1725+1G>A (NM_001321207.2).
Identifiers: ClinVar variation 631549 (VCV000631549.3), dbSNP rs1242271427, ClinGen allele CA399034857.

ClinVar aggregate classification (germline): Pathogenic (1 of 4 stars; one submission).

Submission:

GeneDx
Classification: Pathogenic. Last evaluated: 2020-04-17. Review status: criteria provided, single submitter. Criteria: GeneDx Variant Classification Process June 2021. Collection method: clinical testing. Allele origin: germline. Affected: yes.
Comment: Canonical splice site variant in a gene for which loss-of-function is a known mechanism of disease; Not observed in large population cohorts (Lek et al., 2016); Has not been previously published as pathogenic or benign to our knowledge; This variant is associated with the following publications: (PMID: 31736240)